The following is an entry in ClinVar:

NM_015650.4(TRAF3IP1):c.545G>A (p.Arg182Gln)

Gene: TRAF3IP1 (TRAF3 interacting protein 1; plus strand). Cytogenetic location: 2q37.3.
Variant type: single nucleotide variant.
Coding change: c.545G>A on transcript NM_015650.4 (MANE Select); coding-DNA position 545, G replaced by A.
Protein change: p.Arg182Gln; replaces arginine 182 with glutamine.
Molecular consequence: missense variant.
Genome position (GRCh38, 1-based): chr2:238,328,972, G>A. VCF-style: chr2-238328972-G-A. GRCh37 (hg19) VCF-style: chr2-239237613-G-A.
Other names: c.545G>A, p.Arg182Gln (NM_001139490.1); short protein forms R182Q.
Identifiers: ClinVar variation 2048516 (VCV002048516.1), dbSNP rs962210513, ClinGen allele CA67979956.

ClinVar aggregate classification (germline): Uncertain significance (1 of 4 stars; one submission).

Allele frequency attached by ClinVar (database versions not stated): gnomAD exomes below 0.00001; TOPMed 0.00002; gnomAD 0.00003.
gnomAD v4.1: 12 of 1,552,814 alleles (0.00077%); highest among the groups gnomAD compares: African/African-American, 0.0055%; no homozygotes.

Submission:

Labcorp Genetics (formerly Invitae), Labcorp
Classification: Uncertain significance. Last evaluated: 2022-07-26. Review status: criteria provided, single submitter. Criteria: Invitae Variant Classification Sherloc (09022015). Collection method: clinical testing. Allele origin: germline.
Comment: This sequence change replaces arginine, which is basic and polar, with glutamine, which is neutral and polar, at codon 182 of the TRAF3IP1 protein (p.Arg182Gln). The frequency data for this variant in the population databases is considered unreliable, as metrics indicate poor data quality at this position in the gnomAD database. This variant has not been reported in the literature in individuals affected with TRAF3IP1-related conditions. Algorithms developed to predict the effect of missense changes on protein structure and function output the following: SIFT: "Tolerated"; PolyPhen-2: "Benign"; Align-GVGD: "Class C0". The glutamine amino acid residue is found in multiple mammalian species, which suggests that this missense change does not adversely affect protein function. In summary, the available evidence is currently insufficient to determine the role of this variant in disease. Therefore, it has been classified as a Variant of Uncertain Significance.